The following is an entry in ClinVar:

ClinVar aggregate classification (germline): Benign/Likely benign. Review status: criteria provided, multiple submitters, no conflicts (2 of 4 stars). 11 submissions from 11 submitters: Benign (3); Likely benign (6). 2 of the submissions do not count toward it. Last evaluated 2026-01-31.

Conditions:
RET-related disorder. Also called: RET-related disorders; RET-related condition; RET-related disease.
Hereditary cancer-predisposing syndrome. Also called: Neoplastic Syndromes, Hereditary; Hereditary neoplastic syndrome; Tumor predisposition; Hereditary Cancer Syndrome. Identifiers: Orphanet 140162, MedGen C0027672, MeSH D009386, MONDO:0015356.
Multiple endocrine neoplasia, type 2 (MEN2). Identifiers: Orphanet 653, MedGen C4048306, MONDO:0019003. Disease mechanism: gain of function.
Multiple endocrine neoplasia type 2A. Also called: Multiple Endocrine Neoplasia Type 2A (MEN2A); MULTIPLE ENDOCRINE NEOPLASIA, TYPE IIA; PTC SYNDROME; SIPPLE SYNDROME; MEN 2A; MEN-2A syndrome. Identifiers: Orphanet 247698, Orphanet 653, MedGen C0025268, MeSH D018813, MONDO:0008234, OMIM 171400.

Allele frequency attached by ClinVar (database versions not stated): TOPMed 0.00010; 1000 Genomes Project 30x 0.00047; 1000 Genomes Project 0.00060.
gnomAD v4.1: 79 of 1,613,336 alleles (0.0049%); highest among the groups gnomAD compares: East Asian, 0.14%; no homozygotes.

Submissions (11):

Labcorp Genetics (formerly Invitae), Labcorp
Classification: Benign for Multiple endocrine neoplasia, type 2. Last evaluated: 2026-01-31. Review status: criteria provided, single submitter. Criteria: Invitae Variant Classification Sherloc (09022015). Collection method: clinical testing. Allele origin: germline.

Mayo Clinic Laboratories, Mayo Clinic
Classification: Likely benign. Last evaluated: 2025-08-25. Review status: criteria provided, single submitter. Criteria: ACMG Guidelines, 2015. Collection method: clinical testing. Allele origin: germline. Observed: 1 variant allele.
Comment: BS1, BP4, BP7

Women's Health and Genetics/Laboratory Corporation of America, LabCorp
Classification: Likely benign. Last evaluated: 2024-11-13. Review status: criteria provided, single submitter. Criteria: LabCorp Variant Classification Summary - May 2015. Collection method: clinical testing. Allele origin: germline.

Blueprint Genetics
Classification: Likely benign. Last evaluated: 2024-08-06. Review status: criteria provided, single submitter. Criteria: ACMG Guidelines, 2015. Collection method: clinical testing. Allele origin: germline.

Myriad Genetics, Inc.
Classification: Benign for Multiple endocrine neoplasia type 2A. Last evaluated: 2023-04-18. Review status: criteria provided, single submitter. Criteria: Myriad Autosomal Dominant, Autosomal Recessive and X-Linked Classification Criteria (2023). Collection method: clinical testing. Allele origin: unknown.
Comment: This variant is considered benign. This variant is a silent/synonymous amino acid change and it is not expected to impact splicing.

Color Diagnostics, LLC DBA Color Health
Classification: Benign for Multiple endocrine neoplasia, type 2. Last evaluated: 2022-09-29. Review status: criteria provided, single submitter. Criteria: ACMG Guidelines, 2015. Collection method: clinical testing. Allele origin: germline.

Sema4
Classification: Likely benign for Hereditary cancer-predisposing syndrome. Last evaluated: 2022-01-02. Review status: criteria provided, single submitter. Criteria: Sema4 Curation Guidelines. Collection method: curation. Allele origin: germline.

GeneDx
Classification: Likely benign. Last evaluated: 2020-05-27. Review status: criteria provided, single submitter. Criteria: GeneDx Variant Classification Process June 2021. Collection method: clinical testing. Allele origin: germline. Affected: yes.
Comment: See Variant Classification Assertion Criteria.

Ambry Genetics
Classification: Likely benign for Hereditary cancer-predisposing syndrome. Last evaluated: 2015-08-31. Review status: criteria provided, single submitter. Criteria: Ambry Variant Classification Scheme 2023. Collection method: clinical testing. Allele origin: germline.

PreventionGenetics, part of Exact Sciences
Classification: Likely benign for RET-related condition. Last evaluated: 2019-12-16. Review status: no assertion criteria provided. Collection method: clinical testing. Allele origin: germline. Not counted in ClinVar's aggregate classification.
Comment: This variant is classified as likely benign based on ACMG/AMP sequence variant interpretation guidelines (Richards et al. 2015 PMID: 25741868, with internal and published modifications).

Counsyl
Classification: Likely benign for Multiple endocrine neoplasia type 2A. Last evaluated: 2018-02-21. Review status: no assertion criteria provided. Collection method: clinical testing. Allele origin: unknown. Not counted in ClinVar's aggregate classification.

Literature cited by the submitters: PubMed 9223675 (cited by Counsyl); PubMed 22174939 (cited by Counsyl); PubMed 17344846 (cited by Counsyl).

NM_020975.6(RET):c.2523G>A (p.Pro841=)

Gene: RET (ret proto-oncogene; plus strand). Cytogenetic location: 10q11.21.
Variant type: single nucleotide variant.
Coding change: c.2523G>A on transcript NM_020975.6 (MANE Select); coding-DNA position 2523, G replaced by A.
Protein change: p.Pro841=; no amino-acid change (proline 841 retained).
Molecular consequence: synonymous variant.
Genome position (GRCh38, 1-based): chr10:43,119,661, G>A. VCF-style: chr10-43119661-G-A. GRCh37 (hg19) VCF-style: chr10-43615109-G-A.
Other names: p.Pro841=; c.2085G>A, p.Pro695= (NM_001406771.1, NM_001406773.1); c.2127G>A, p.Pro709= (NM_001406772.1, NM_001406769.1); c.1998G>A, p.Pro666= (NM_001406774.1); c.1797G>A, p.Pro599= (NM_001406775.1, NM_001406776.1, NM_001406777.1 and 1 more transcripts); c.1626G>A, p.Pro542= (NM_001406779.1, NM_001406780.1, NM_001406781.1 and 1 more transcripts); c.1497G>A, p.Pro499= (NM_001406783.1, NM_001406786.1); c.1533G>A, p.Pro511= (NM_001406784.1); and 11 more.
Identifiers: ClinVar variation 24948 (VCV000024948.24), dbSNP rs56195026, ClinGen allele CA008844.